The following is an entry in ClinVar:

NM_004360.5(CDH1):c.2528C>A (p.Ala843Asp)

Gene: CDH1 (cadherin 1; plus strand). Cytogenetic location: 16q22.1.
Variant type: single nucleotide variant.
Coding change: c.2528C>A on transcript NM_004360.5 (MANE Select); coding-DNA position 2528, C replaced by A.
Protein change: p.Ala843Asp; replaces alanine 843 with aspartic acid.
Molecular consequence: missense variant.
Genome position (GRCh38, 1-based): chr16:68,833,378, C>A. VCF-style: chr16-68833378-C-A. GRCh37 (hg19) VCF-style: chr16-68867281-C-A.
Other names: c.2345C>A, p.Ala782Asp (NM_001317184.2); c.980C>A, p.Ala327Asp (NM_001317185.2); c.563C>A, p.Ala188Asp (NM_001317186.2); short protein forms A782D, A843D, A327D, A188D.
Identifiers: ClinVar variation 3488693 (VCV003488693.2).
Genomic context (GRCh38, chr16:68,833,378, plus strand): 5'-CAGCCCCGCCTTATGATTCTCTGCTCGTGTTTGACTATGAAGGAAGCGGTTCCGAAGCTG[C>A]TAGTCTGAGCTCCCTGAACTCCTCAGAGTCAGACAAAGACCAGGACTATGACTACTTGAA-3'
Protein context (NP_004351.1, residues 833-853): FDYEGSGSEA[Ala843Asp]SLSSLNSSES

ClinVar aggregate classification (germline): Uncertain significance. Review status: criteria provided, multiple submitters, no conflicts (2 of 4 stars). 2 submissions from 2 submitters: Uncertain significance (2). Last evaluated 2025-04-02.

Conditions:
Hereditary diffuse gastric adenocarcinoma (HDGC). Also called: DIFFUSE GASTRIC AND LOBULAR BREAST CANCER SYNDROME. Identifiers: Orphanet 26106, MedGen C1708349, MONDO:0007648, OMIM 137215.
Hereditary cancer-predisposing syndrome. Also called: Hereditary Cancer Syndrome; Hereditary neoplastic syndrome; Neoplastic Syndromes, Hereditary; Tumor predisposition. Identifiers: Orphanet 140162, MedGen C0027672, MeSH D009386, MONDO:0015356.

gnomAD v4.1: 3 of 1,614,154 alleles (0.00019%); highest among the groups gnomAD compares: Non-Finnish European, 0.00025%; no homozygotes.

Submissions (2):

Labcorp Genetics (formerly Invitae), Labcorp
Classification: Uncertain significance for Hereditary diffuse gastric adenocarcinoma. Last evaluated: 2025-04-02. Review status: criteria provided, single submitter. Criteria: Invitae Variant Classification Sherloc (09022015). Collection method: clinical testing. Allele origin: germline.
Comment: This sequence change replaces alanine, which is neutral and non-polar, with aspartic acid, which is acidic and polar, at codon 843 of the CDH1 protein (p.Ala843Asp). This variant is not present in population databases (gnomAD no frequency). This variant has not been reported in the literature in individuals affected with CDH1-related conditions. ClinVar contains an entry for this variant (Variation ID: 3488693). An algorithm developed to predict the effect of missense changes on protein structure and function (PolyPhen-2) suggests that this variant is likely to be disruptive. In summary, the available evidence is currently insufficient to determine the role of this variant in disease. Therefore, it has been classified as a Variant of Uncertain Significance.

Ambry Genetics
Classification: Uncertain significance for Hereditary cancer-predisposing syndrome. Last evaluated: 2024-12-02. Review status: criteria provided, single submitter. Criteria: Ambry Variant Classification Scheme 2023. Collection method: clinical testing. Allele origin: germline.
Comment: The p.A843D variant (also known as c.2528C>A), located in coding exon 16 of the CDH1 gene, results from a C to A substitution at nucleotide position 2528. The alanine at codon 843 is replaced by aspartic acid, an amino acid with dissimilar properties. This amino acid position is conserved. In addition, the in silico prediction for this alteration is inconclusive. Based on the available evidence, the clinical significance of this variant remains unclear.